The following is an entry in ClinVar:

ClinVar aggregate classification (germline): Uncertain significance (1 of 4 stars; one submission).

Submission:

Labcorp Genetics (formerly Invitae), Labcorp
Classification: Uncertain significance. Last evaluated: 2022-05-30. Review status: criteria provided, single submitter. Criteria: Invitae Variant Classification Sherloc (09022015). Collection method: clinical testing. Allele origin: germline.
Comment: This sequence change replaces aspartic acid, which is acidic and polar, with asparagine, which is neutral and polar, at codon 745 of the C2 protein (p.Asp745Asn). In summary, the available evidence is currently insufficient to determine the role of this variant in disease. Therefore, it has been classified as a Variant of Uncertain Significance. Algorithms developed to predict the effect of missense changes on protein structure and function (SIFT, PolyPhen-2, Align-GVGD) all suggest that this variant is likely to be tolerated. This variant has not been reported in the literature in individuals affected with C2-related conditions. This variant is not present in population databases (gnomAD no frequency).

NM_000063.6(C2):c.2233G>A (p.Asp745Asn)

Gene: C2 (complement C2; plus strand). Cytogenetic location: 6p21.33.
Variant type: single nucleotide variant.
Coding change: c.2233G>A on transcript NM_000063.6 (MANE Select); coding-DNA position 2233, G replaced by A.
Protein change: p.Asp745Asn; replaces aspartic acid 745 with asparagine.
Molecular consequence: missense variant.
Genome position (GRCh38, 1-based): chr6:31,945,331, G>A. VCF-style: chr6-31945331-G-A. GRCh37 (hg19) VCF-style: chr6-31913108-G-A.
Other names: c.1837G>A, p.Asp613Asn (NM_001145903.3); c.1591G>A, p.Asp531Asn (NM_001178063.3); c.1495G>A, p.Asp499Asn (NM_001282457.2); c.2146G>A, p.Asp716Asn (NM_001282458.2); short protein forms D531N, D745N, D716N, D499N, D613N.
Identifiers: ClinVar variation 2001223 (VCV002001223.4), dbSNP rs768645892, ClinGen allele CA363385495.